The following is an entry in ClinVar:

ClinVar aggregate classification (germline): Likely benign (1 of 4 stars; one submission).

gnomAD v4.1: 219 of 1,348,470 alleles (0.016%); highest among the groups gnomAD compares: African/African-American, 0.3%; no homozygotes.

Submission:

Mayo Clinic Laboratories, Mayo Clinic
Classification: Likely benign. Last evaluated: 2025-04-21. Review status: criteria provided, single submitter. Criteria: ACMG Guidelines, 2015. Collection method: clinical testing. Allele origin: germline. Observed: 2 variant alleles.
Comment: BS1, BP4, BP7

NM_003742.4(ABCB11):c.477+27A>C

Gene: ABCB11 (ATP binding cassette subfamily B member 11; minus strand). Cytogenetic location: 2q31.1.
Variant type: single nucleotide variant.
Coding change: c.477+27A>C on transcript NM_003742.4 (MANE Select); 27 bases into the intron after coding-DNA position 477, A replaced by C.
Molecular consequence: intron variant.
Genome position (GRCh38, 1-based): chr2:168,996,608, T>G on the plus strand (A>C on the coding strand, the complement: ABCB11 is on the minus strand). VCF-style: chr2-168996608-T-G. GRCh37 (hg19) VCF-style: chr2-169853118-T-G.
Other names: p.?.
Identifiers: ClinVar variation 4684600 (VCV004684600.1).